The following is an entry in ClinVar:

NM_001242896.3(DEPDC5):c.3034A>G (p.Met1012Val)

Gene: DEPDC5 (DEP domain containing 5, GATOR1 subcomplex subunit; plus strand). Cytogenetic location: 22q12.3.
Variant type: single nucleotide variant.
Coding change: c.3034A>G on transcript NM_001242896.3 (MANE Select); coding-DNA position 3034, A replaced by G.
Protein change: p.Met1012Val; replaces methionine 1012 with valine.
Molecular consequence: missense variant. On other transcripts: non-coding transcript variant (5).
Genome position (GRCh38, 1-based): chr22:31,846,846, A>G. VCF-style: chr22-31846846-A-G. GRCh37 (hg19) VCF-style: chr22-32242832-A-G.
Other names: c.3007A>G, p.Met1003Val (NM_001136029.4, NM_001369903.1, NM_014662.6); c.2800A>G, p.Met934Val (NM_001242897.2, NM_001363854.2, NM_001364319.2); c.3034A>G, p.Met1012Val (NM_001363852.2, NM_001364318.2, NM_001364320.2); c.2950A>G, p.Met984Val (NM_001369901.1, NM_001369902.1); short protein forms M1003V, M934V, M1012V, M984V.
Identifiers: ClinVar variation 4744300 (VCV004744300.1).

ClinVar aggregate classification (germline): Uncertain significance (1 of 4 stars; one submission).

Conditions:
Familial focal epilepsy with variable foci (FPEVF). Identifiers: Orphanet 98820, MedGen C1858477, MONDO:0020310.

Submission:

Labcorp Genetics (formerly Invitae), Labcorp
Classification: Uncertain significance for Familial focal epilepsy with variable foci. Last evaluated: 2025-07-14. Review status: criteria provided, single submitter. Criteria: Invitae Variant Classification Sherloc (09022015). Collection method: clinical testing. Allele origin: germline.
Comment: This sequence change replaces methionine, which is neutral and non-polar, with valine, which is neutral and non-polar, at codon 1012 of the DEPDC5 protein (p.Met1012Val). This variant is not present in population databases (gnomAD no frequency). This variant has not been reported in the literature in individuals affected with DEPDC5-related conditions. Experimental studies and prediction algorithms are not available or were not evaluated, and the functional significance of this variant is currently unknown. In summary, the available evidence is currently insufficient to determine the role of this variant in disease. Therefore, it has been classified as a Variant of Uncertain Significance.